The following is an entry in ClinVar:

ClinVar aggregate classification (germline): Likely benign. Review status: criteria provided, single submitter (1 of 4 stars). 2 submissions from 2 submitters: Likely benign (1). 1 of the submissions does not count toward it. Last evaluated 2025-12-28.

Conditions:
CARS2-related disorder. Also called: CARS2-related condition.
Combined oxidative phosphorylation defect type 27. Also called: Combined oxidative phosphorylation deficiency 27. Identifiers: Orphanet 477774, MedGen C5567608, MONDO:0014728, OMIM 616672.

Allele frequency attached by ClinVar (database versions not stated): gnomAD 0.00002; TOPMed 0.00002; gnomAD exomes 0.00003 and 0.00008; ExAC 0.00009.
gnomAD v4.1: 43 of 1,554,664 alleles (0.0028%); highest among the groups gnomAD compares: Admixed American, 0.029%; no homozygotes.

Submissions (2):

Labcorp Genetics (formerly Invitae), Labcorp
Classification: Likely benign for Combined oxidative phosphorylation defect type 27. Last evaluated: 2025-12-28. Review status: criteria provided, single submitter. Criteria: Invitae Variant Classification Sherloc (09022015). Collection method: clinical testing. Allele origin: germline.

PreventionGenetics, part of Exact Sciences
Classification: Likely benign for CARS2-related condition. Last evaluated: 2020-03-03. Review status: no assertion criteria provided. Collection method: clinical testing. Allele origin: germline. Not counted in ClinVar's aggregate classification.
Comment: This variant is classified as likely benign based on ACMG/AMP sequence variant interpretation guidelines (Richards et al. 2015 PMID: 25741868, with internal and published modifications).

NM_024537.4(CARS2):c.1578C>T (p.Cys526=)

Gene: CARS2 (cysteinyl-tRNA synthetase 2, mitochondrial; minus strand). Cytogenetic location: 13q34.
Variant type: single nucleotide variant.
Coding change: c.1578C>T on transcript NM_024537.4 (MANE Select); coding-DNA position 1578, C replaced by T.
Protein change: p.Cys526=; no amino-acid change (cysteine 526 retained).
Molecular consequence: synonymous variant. On other transcripts: non-coding transcript variant (2).
Genome position (GRCh38, 1-based): chr13:110,642,360, G>A on the plus strand (C>T on the coding strand, the complement: CARS2 is on the minus strand). VCF-style: chr13-110642360-G-A. GRCh37 (hg19) VCF-style: chr13-111294707-G-A.
Other names: c.792C>T, p.Cys264= (NM_001352252.2).
Identifiers: ClinVar variation 475621 (VCV000475621.12), dbSNP rs547578192, ClinGen allele CA7051603.
Genomic context (GRCh38, chr13:110,642,360, plus strand): 5'-TGGTGCGGCACTCACCTTGATGTTGATGCCGTGGGCAGTCAGGCCCCGGCGCAGGGTGTC[G>A]CATGCTTCCAGCAGGGGCTGCCTTTCTAGGAGCTGCTGCCGCCGGGCGTCCCCCGTGGCC-3'
Protein context (NP_078813.1, residues 516-536): LLERQPLLEA[Cys526=]DTLRRGLTAH